The following is an entry in ClinVar:

NM_005475.3(SH2B3):c.778G>C (p.Val260Leu)

Gene: SH2B3 (SH2B adaptor protein 3; plus strand). Cytogenetic location: 12q24.12.
Variant type: single nucleotide variant.
Coding change: c.778G>C on transcript NM_005475.3 (MANE Select); coding-DNA position 778, G replaced by C.
Protein change: p.Val260Leu; replaces valine 260 with leucine.
Molecular consequence: missense variant.
Genome position (GRCh38, 1-based): chr12:111,446,798, G>C. VCF-style: chr12-111446798-G-C. GRCh37 (hg19) VCF-style: chr12-111884602-G-C.
Other names: c.172G>C, p.Val58Leu (NM_001291424.1); short protein forms V260L, V58L.
Identifiers: ClinVar variation 4826766 (VCV004826766.1).

ClinVar aggregate classification (germline): Uncertain significance (1 of 4 stars; one submission).

Conditions:
Inborn genetic diseases. Identifiers: MedGen C0950123, MeSH D030342.

Submission:

Ambry Genetics
Classification: Uncertain significance for Inborn genetic diseases. Last evaluated: 2026-02-23. Review status: criteria provided, single submitter. Criteria: Ambry Variant Classification Scheme 2023. Collection method: clinical testing. Allele origin: germline.
Comment: The p.V260L variant (also known as c.778G>C), located in coding exon 2 of the SH2B3 gene, results from a G to C substitution at nucleotide position 778. The valine at codon 260 is replaced by leucine, an amino acid with highly similar properties. This amino acid position is conserved. In addition, this alteration is predicted to be tolerated by in silico analysis. Based on the available evidence, the clinical significance of this variant remains unclear.